The following is an entry in ClinVar:

ClinVar aggregate classification (germline): Uncertain significance (1 of 4 stars; one submission).

Conditions:
Cohen syndrome (COH1). Also called: PEPPER SYNDROME; Cutis verticis gyrata, retinitis pigmentosa, and sensorineural deafness. Identifiers: Orphanet 193, MedGen C0265223, MONDO:0008999, OMIM 216550.

Allele frequency attached by ClinVar (database versions not stated): gnomAD exomes below 0.00001; gnomAD 0.00001.
gnomAD v4.1: 2 of 1,613,988 alleles (0.00012%); highest among the groups gnomAD compares: Non-Finnish European, 0.00017%; no homozygotes.

Submission:

Labcorp Genetics (formerly Invitae), Labcorp
Classification: Uncertain significance for Cohen syndrome. Last evaluated: 2024-04-16. Review status: criteria provided, single submitter. Criteria: Invitae Variant Classification Sherloc (09022015). Collection method: clinical testing. Allele origin: germline.
Comment: This sequence change replaces isoleucine, which is neutral and non-polar, with threonine, which is neutral and polar, at codon 2593 of the VPS13B protein (p.Ile2593Thr). This variant is not present in population databases (gnomAD no frequency). This variant has not been reported in the literature in individuals affected with VPS13B-related conditions. ClinVar contains an entry for this variant (Variation ID: 852353). Advanced modeling of protein sequence and biophysical properties (such as structural, functional, and spatial information, amino acid conservation, physicochemical variation, residue mobility, and thermodynamic stability) performed at Invitae indicates that this missense variant is not expected to disrupt VPS13B protein function with a negative predictive value of 80%. In summary, the available evidence is currently insufficient to determine the role of this variant in disease. Therefore, it has been classified as a Variant of Uncertain Significance.

NM_152564.5(VPS13B):c.7703T>C (p.Ile2568Thr)

Gene: VPS13B (vacuolar protein sorting 13 homolog B; plus strand). Cytogenetic location: 8q22.2.
Variant type: single nucleotide variant.
Coding change: c.7703T>C on transcript NM_152564.5 (MANE Select); coding-DNA position 7703, T replaced by C.
Protein change: p.Ile2568Thr; replaces isoleucine 2568 with threonine.
Molecular consequence: missense variant.
Genome position (GRCh38, 1-based): chr8:99,778,955, T>C. VCF-style: chr8-99778955-T-C. GRCh37 (hg19) VCF-style: chr8-100791183-T-C.
Other names: c.7778T>C, p.Ile2593Thr (NM_017890.5); short protein forms I2568T, I2593T.
Identifiers: ClinVar variation 852353 (VCV000852353.7), dbSNP rs1811877032, ClinGen allele CA371876535.